The following is an entry in ClinVar:

ClinVar aggregate classification (germline): Likely benign (0 of 4 stars; one submission).

Conditions:
ITIH4-related disorder. Also called: ITIH4-related condition.

gnomAD v4.1: 1 of 1,614,126 alleles (0.000062%); highest among the groups gnomAD compares: Middle Eastern, 0.016%; no homozygotes.

Submission:

PreventionGenetics, part of Exact Sciences
Classification: Likely benign for ITIH4-related condition. Last evaluated: 2019-02-21. Review status: no assertion criteria provided. Collection method: clinical testing. Allele origin: germline.
Comment: This variant is classified as likely benign based on ACMG/AMP sequence variant interpretation guidelines (Richards et al. 2015 PMID: 25741868, with internal and published modifications).

NM_002218.5(ITIH4):c.2055C>T (p.His685=)

Gene: ITIH4 (inter-alpha-trypsin inhibitor heavy chain 4; minus strand). Cytogenetic location: 3p21.1.
Variant type: single nucleotide variant.
Coding change: c.2055C>T on transcript NM_002218.5 (MANE Select); coding-DNA position 2055, C replaced by T.
Protein change: p.His685=; no amino-acid change (histidine 685 retained).
Molecular consequence: synonymous variant.
Genome position (GRCh38, 1-based): chr3:52,819,415, G>A on the plus strand (C>T on the coding strand, the complement: ITIH4 is on the minus strand). VCF-style: chr3-52819415-G-A. GRCh37 (hg19) VCF-style: chr3-52853431-G-A.
Other names: c.1965C>T, p.His655= (NM_001166449.2).
Identifiers: ClinVar variation 3353034 (VCV003353034.1).